The following is an entry in ClinVar:

NM_003072.5(SMARCA4):c.4379A>G (p.Lys1460Arg)

Gene: SMARCA4 (SWI/SNF related BAF chromatin remodeling complex subunit ATPase 4; plus strand). Cytogenetic location: 19p13.2.
Variant type: single nucleotide variant.
Coding change: c.4379A>G on transcript NM_003072.5 (MANE Select); coding-DNA position 4379, A replaced by G.
Protein change: p.Lys1460Arg; replaces lysine 1460 with arginine.
Molecular consequence: missense variant. On other transcripts: non-coding transcript variant (1).
Genome position (GRCh38, 1-based): chr19:11,041,515, A>G. VCF-style: chr19-11041515-A-G. GRCh37 (hg19) VCF-style: chr19-11152191-A-G.
Other names: c.4379A>G, p.Lys1460Arg (NM_001128844.3); c.4289A>G, p.Lys1430Arg (NM_001128845.2, NM_001128846.2); c.4280A>G, p.Lys1427Arg (NM_001128847.4, NM_001128848.2, NM_001374457.1); c.4475A>G, p.Lys1492Arg (NM_001128849.3); short protein forms K1492R, K1430R, K1427R, K1460R.
Identifiers: ClinVar variation 960063 (VCV000960063.9), dbSNP rs2075611830, ClinGen allele CA404074056.

ClinVar aggregate classification (germline): Uncertain significance (1 of 4 stars; one submission).

Conditions:
Rhabdoid tumor predisposition syndrome 2 (RTPS2). Identifiers: Orphanet 231108, Orphanet 69077, MedGen C2750074, MONDO:0013224, OMIM 613325.

Submission:

Labcorp Genetics (formerly Invitae), Labcorp
Classification: Uncertain significance for Rhabdoid tumor predisposition syndrome 2. Last evaluated: 2019-09-01. Review status: criteria provided, single submitter. Criteria: Invitae Variant Classification Sherloc (09022015). Collection method: clinical testing. Allele origin: germline.
Comment: This sequence change replaces lysine with arginine at codon 1492 of the SMARCA4 protein (p.Lys1492Arg). The lysine residue is highly conserved and there is a small physicochemical difference between lysine and arginine. This variant is not present in population databases (ExAC no frequency). This variant has not been reported in the literature in individuals with SMARCA4-related conditions. Algorithms developed to predict the effect of missense changes on protein structure and function are either unavailable or do not agree on the potential impact of this missense change (SIFT: "Deleterious"; PolyPhen-2: "Benign"; Align-GVGD: "Class C25"). Algorithms developed to predict the effect of sequence changes on RNA splicing suggest that this variant may create or strengthen a splice site, but this prediction has not been confirmed by published transcriptional studies. In summary, the available evidence is currently insufficient to determine the role of this variant in disease. Therefore, it has been classified as a Variant of Uncertain Significance.